The following is an entry in ClinVar:

NM_015474.4(SAMHD1):c.509+1G>A

Gene: SAMHD1 (SAM and HD domain containing deoxynucleoside triphosphate triphosphohydrolase 1; minus strand). Cytogenetic location: 20q11.23.
Variant type: single nucleotide variant.
Coding change: c.509+1G>A on transcript NM_015474.4 (MANE Select); the canonical splice donor site of the intron after coding-DNA position 509, G replaced by A.
Molecular consequence: splice donor variant.
Genome position (GRCh38, 1-based): chr20:36,935,028, C>T on the plus strand (G>A on the coding strand, the complement: SAMHD1 is on the minus strand). VCF-style: chr20-36935028-C-T. GRCh37 (hg19) VCF-style: chr20-35563431-C-T.
Other names: c.509+1G>A (NM_015474.3, NM_001363729.2, NM_001363733.2).
Identifiers: ClinVar variation 1066893 (VCV001066893.9), dbSNP rs1192315307, ClinGen allele CA408822710.

ClinVar aggregate classification (germline): Likely pathogenic. Review status: criteria provided, multiple submitters, no conflicts (2 of 4 stars). 2 submissions from 2 submitters: Likely pathogenic (2). Last evaluated 2024-04-25.

Conditions:
Aicardi Goutieres syndrome (AGS). Also called: Encephalopathy, familial infantile, with calcification of basal ganglia and chronic cerebrospinal fluid lymphocytosis. Identifiers: Orphanet 51, MedGen C0393591, MONDO:0018866.
Aicardi-Goutieres syndrome 5. Identifiers: Orphanet 51, MedGen C2749659, MONDO:0013059, OMIM 612952.

Allele frequency attached by ClinVar (database versions not stated): gnomAD 0.00001.
gnomAD v4.1: 1 of 1,613,800 alleles (0.000062%); no homozygotes.

Submissions (2):

Natera, Inc.
Classification: Likely pathogenic for Aicardi-Goutieres syndrome. Last evaluated: 2024-04-25. Review status: criteria provided, single submitter. Criteria: Natera Variant Classification Schema (03/2026). Collection method: clinical testing. Allele origin: germline.
Comment: The c.509+1G>A variant in SAMHD1 is a canonical splice donor site variant predicted to affect pre-mRNA splicing, which may result in an abnormal transcript and altered protein product. This variant is expected to result in nonsense mediated decay, truncation, or a dysfunctional protein product. This variant is rare in the general population with a frequency below the threshold expected for the associated phenotype(s). Given the available evidence, this variant is classified as Likely Pathogenic.

Labcorp Genetics (formerly Invitae), Labcorp
Classification: Likely pathogenic for Aicardi-Goutieres syndrome 5. Last evaluated: 2023-10-28. Review status: criteria provided, single submitter. Criteria: Invitae Variant Classification Sherloc (09022015). Collection method: clinical testing. Allele origin: germline.
Comment: This sequence change affects a donor splice site in intron 4 of the SAMHD1 gene. It is expected to disrupt RNA splicing. Variants that disrupt the donor or acceptor splice site typically lead to a loss of protein function (PMID: 16199547), and loss-of-function variants in SAMHD1 are known to be pathogenic (PMID: 19525956, 22461318). This variant is present in population databases (no rsID available, gnomAD 0.03%). This variant has not been reported in the literature in individuals affected with SAMHD1-related conditions. ClinVar contains an entry for this variant (Variation ID: 1066893). Algorithms developed to predict the effect of sequence changes on RNA splicing suggest that this variant may disrupt the consensus splice site. In summary, the currently available evidence indicates that the variant is pathogenic, but additional data are needed to prove that conclusively. Therefore, this variant has been classified as Likely Pathogenic.

Literature cited by the submitters: PubMed 16199547 (cited by Labcorp Genetics (formerly Invitae), Labcorp); PubMed 19525956 (cited by Labcorp Genetics (formerly Invitae), Labcorp); PubMed 22461318 (cited by Labcorp Genetics (formerly Invitae), Labcorp).